The following is an entry in ClinVar:

ClinVar aggregate classification (germline): Uncertain significance (1 of 4 stars; one submission).

Submission:

Labcorp Genetics (formerly Invitae), Labcorp
Classification: Uncertain significance. Last evaluated: 2023-08-24. Review status: criteria provided, single submitter. Criteria: Invitae Variant Classification Sherloc (09022015). Collection method: clinical testing. Allele origin: germline.
Comment: This sequence change replaces valine, which is neutral and non-polar, with glutamic acid, which is acidic and polar, at codon 14 of the ELOVL4 protein (p.Val14Glu). This variant is not present in population databases (gnomAD no frequency). In summary, the available evidence is currently insufficient to determine the role of this variant in disease. Therefore, it has been classified as a Variant of Uncertain Significance. An algorithm developed to predict the effect of missense changes on protein structure and function (PolyPhen-2) suggests that this variant is likely to be tolerated. This variant has not been reported in the literature in individuals affected with ELOVL4-related conditions.

NM_022726.4(ELOVL4):c.41T>A (p.Val14Glu)

Gene: ELOVL4 (ELOVL fatty acid elongase 4; minus strand). Cytogenetic location: 6q14.1.
Variant type: single nucleotide variant.
Coding change: c.41T>A on transcript NM_022726.4 (MANE Select); coding-DNA position 41, T replaced by A.
Protein change: p.Val14Glu; replaces valine 14 with glutamic acid.
Molecular consequence: missense variant.
Genome position (GRCh38, 1-based): chr6:79,947,239, A>T on the plus strand (T>A on the coding strand, the complement: ELOVL4 is on the minus strand). VCF-style: chr6-79947239-A-T. GRCh37 (hg19) VCF-style: chr6-80656956-A-T.
Other names: short protein forms V14E.
Identifiers: ClinVar variation 2751765 (VCV002751765.3), dbSNP rs2533011604, ClinGen allele CA364658852.